The following is an entry in ClinVar:

ClinVar aggregate classification (germline): Uncertain significance (1 of 4 stars; one submission).

Conditions:
Autoimmune enteropathy and endocrinopathy - susceptibility to chronic infections syndrome. Also called: Immunodeficiency 31C, autosomal dominant; Immunodeficiency 31C. Identifiers: Orphanet 391487, MedGen C3279990, MONDO:0013599, OMIM 614162.
Immunodeficiency 31B. Also called: STAT1 DEFICIENCY, AUTOSOMAL RECESSIVE; IMMUNODEFICIENCY 31B, MYCOBACTERIAL AND VIRAL INFECTIONS, AUTOSOMAL RECESSIVE. Identifiers: Orphanet 391311, MedGen C3151088, MONDO:0013427, OMIM 613796.
Mendelian susceptibility to mycobacterial diseases due to partial STAT1 deficiency. Also called: IMMUNODEFICIENCY 31A, MYCOBACTERIOSIS, AUTOSOMAL DOMINANT; STAT1 DEFICIENCY, AUTOSOMAL DOMINANT; Immunodeficiency 31a. Identifiers: Orphanet 319595, MedGen C4013950, MONDO:0013956, OMIM 614892.

gnomAD v4.1: 1 of 1,614,014 alleles (0.000062%); highest among the groups gnomAD compares: African/African-American, 0.0013%; no homozygotes.

Submission:

Labcorp Genetics (formerly Invitae), Labcorp
Classification: Uncertain significance for Mendelian susceptibility to mycobacterial diseases due to partial STAT1 deficiency; Immunodeficiency 31B; Autoimmune enteropathy and endocrinopathy - susceptibility to chronic infections syndrome. Last evaluated: 2025-09-25. Review status: criteria provided, single submitter. Criteria: Invitae Variant Classification Sherloc (09022015). Collection method: clinical testing. Allele origin: germline.
Comment: This sequence change replaces aspartic acid, which is acidic and polar, with glutamic acid, which is acidic and polar, at codon 11 of the STAT1 protein (p.Asp11Glu). This variant is not present in population databases (gnomAD no frequency). This variant has not been reported in the literature in individuals affected with STAT1-related conditions. An algorithm developed to predict the effect of missense changes on protein structure and function outputs the following: PolyPhen-2: "Benign". The glutamic acid amino acid residue is found in multiple mammalian species, which suggests that this missense change does not adversely affect protein function. In summary, the available evidence is currently insufficient to determine the role of this variant in disease. Therefore, it has been classified as a Variant of Uncertain Significance.

NM_007315.4(STAT1):c.33C>G (p.Asp11Glu)

Gene: STAT1 (signal transducer and activator of transcription 1; minus strand). Cytogenetic location: 2q32.2.
Variant type: single nucleotide variant.
Coding change: c.33C>G on transcript NM_007315.4 (MANE Select); coding-DNA position 33, C replaced by G.
Protein change: p.Asp11Glu; replaces aspartic acid 11 with glutamic acid.
Molecular consequence: missense variant.
Genome position (GRCh38, 1-based): chr2:191,009,971, G>C on the plus strand (C>G on the coding strand, the complement: STAT1 is on the minus strand). VCF-style: chr2-191009971-G-C. GRCh37 (hg19) VCF-style: chr2-191874697-G-C.
Other names: c.33C>G, p.Asp11Glu (NM_001384880.1, NM_001384882.1, NM_001384883.1 and 9 more transcripts); c.39C>G, p.Asp13Glu (NM_001384881.1, NM_001384884.1); short protein forms D11E, D13E.
Identifiers: ClinVar variation 4792559 (VCV004792559.1).